The following is an entry in ClinVar:

ClinVar aggregate classification (germline): Uncertain significance. Review status: criteria provided, multiple submitters, no conflicts (2 of 4 stars). 3 submissions from 3 submitters: Uncertain significance (3). Last evaluated 2023-07-21.

Conditions:
Inborn genetic diseases. Identifiers: MedGen C0950123, MeSH D030342.

Allele frequency attached by ClinVar (database versions not stated): gnomAD exomes below 0.00001.

Submissions (3):

GeneDx
Classification: Uncertain significance. Last evaluated: 2023-07-21. Review status: criteria provided, single submitter. Criteria: GeneDx Variant Classification Process June 2021. Collection method: clinical testing. Allele origin: germline. Affected: yes.
Comment: Not observed at significant frequency in large population cohorts (gnomAD); In silico analysis supports that this missense variant does not alter protein structure/function; Has not been previously published as pathogenic or benign to our knowledge

Ambry Genetics
Classification: Uncertain significance for Inborn genetic diseases. Last evaluated: 2020-11-20. Review status: criteria provided, single submitter. Criteria: Ambry Variant Classification Scheme 2023. Collection method: clinical testing. Allele origin: germline.

Blueprint Genetics
Classification: Uncertain significance. Last evaluated: 2018-10-15. Review status: criteria provided, single submitter. Criteria: ACMG Guidelines, 2015. Collection method: clinical testing. Allele origin: germline.

NM_001163809.2(WDR81):c.2036T>C (p.Leu679Pro)

Gene: WDR81 (WD repeat domain 81; plus strand). Cytogenetic location: 17p13.3.
Variant type: single nucleotide variant.
Coding change: c.2036T>C on transcript NM_001163809.2 (MANE Select); coding-DNA position 2036, T replaced by C.
Protein change: p.Leu679Pro; replaces leucine 679 with proline.
Molecular consequence: missense variant. On other transcripts: intron variant (3).
Genome position (GRCh38, 1-based): chr17:1,726,995, T>C. VCF-style: chr17-1726995-T-C. GRCh37 (hg19) VCF-style: chr17-1630289-T-C.
Other names: c.-123-995T>C (NM_152348.4); c.59-3385T>C (NM_001163673.2); c.-15+2209T>C (NM_001163811.2); short protein forms L679P.
Identifiers: ClinVar variation 2228135 (VCV002228135.4), dbSNP rs1044772395, ClinGen allele CA286873193.